The following is an entry in ClinVar:

NM_152703.5(SAMD9L):c.533T>A (p.Ile178Lys)

Gene: SAMD9L (sterile alpha motif domain containing 9 like; minus strand). Cytogenetic location: 7q21.2.
Variant type: single nucleotide variant.
Coding change: c.533T>A on transcript NM_152703.5 (MANE Select); coding-DNA position 533, T replaced by A.
Protein change: p.Ile178Lys; replaces isoleucine 178 with lysine.
Molecular consequence: missense variant.
Genome position (GRCh38, 1-based): chr7:93,135,439, A>T on the plus strand (T>A on the coding strand, the complement: SAMD9L is on the minus strand). VCF-style: chr7-93135439-A-T. GRCh37 (hg19) VCF-style: chr7-92764752-A-T.
Other names: c.533T>A, p.Ile178Lys (NM_001303496.3, NM_001303497.3, NM_001303498.3 and 5 more transcripts); short protein forms I178K.
Identifiers: ClinVar variation 3949971 (VCV003949971.1).

ClinVar aggregate classification (germline): Uncertain significance (1 of 4 stars; one submission).

Conditions:
Inborn genetic diseases. Identifiers: MedGen C0950123, MeSH D030342.

Submission:

Ambry Genetics
Classification: Uncertain significance for Inborn genetic diseases. Last evaluated: 2025-05-29. Review status: criteria provided, single submitter. Criteria: Ambry Variant Classification Scheme 2023. Collection method: clinical testing. Allele origin: germline.
Comment: The p.I178K variant (also known as c.533T>A), located in coding exon 1 of the SAMD9L gene, results from a T to A substitution at nucleotide position 533. The isoleucine at codon 178 is replaced by lysine, an amino acid with dissimilar properties. This amino acid position is conserved. In addition, this alteration is predicted to be tolerated by in silico analysis. Based on the available evidence, the clinical significance of this variant remains unclear.